The following is an entry in ClinVar:

NM_001276270.2(MBD4):c.1647G>A (p.Gln549=)

Gene: MBD4 (methyl-CpG binding domain 4, DNA glycosylase; minus strand). Cytogenetic location: 3q21.3.
Variant type: single nucleotide variant.
Coding change: c.1647G>A on transcript NM_001276270.2 (MANE Select); coding-DNA position 1647, G replaced by A.
Protein change: p.Gln549=; no amino-acid change (glutamine 549 retained).
Molecular consequence: synonymous variant. On other transcripts: intron variant (1).
Genome position (GRCh38, 1-based): chr3:129,432,503, C>T on the plus strand (G>A on the coding strand, the complement: MBD4 is on the minus strand). VCF-style: chr3-129432503-C-T. GRCh37 (hg19) VCF-style: chr3-129151346-C-T.
Other names: c.1665G>A, p.Gln555= (NM_001276271.2, NM_003925.3); c.711G>A, p.Gln237= (NM_001276273.2); c.1612+53G>A (NM_001276272.2).
Identifiers: ClinVar variation 3693372 (VCV003693372.3).

ClinVar aggregate classification (germline): Uncertain significance. Review status: criteria provided, multiple submitters, no conflicts (2 of 4 stars). 2 submissions from 2 submitters: Uncertain significance (2). Last evaluated 2025-04-15.

Conditions:
Inborn genetic diseases. Identifiers: MedGen C0950123, MeSH D030342.

Submissions (2):

Ambry Genetics
Classification: Uncertain significance for Inborn genetic diseases. Last evaluated: 2025-04-15. Review status: criteria provided, single submitter. Criteria: Ambry Variant Classification Scheme 2023. Collection method: clinical testing. Allele origin: germline.
Comment: The c.1647G>A variant (also known as p.Q549Q), located in coding exon 7 of the MBD4 gene, results from a G to A substitution at nucleotide position 1647. This nucleotide substitution does not change the at codon 549. However, this change occurs in the last base pair of coding exon 7, which makes it likely to have some effect on normal mRNA splicing. This nucleotide position is highly conserved in available vertebrate species. In silico splice site analysis predicts that this alteration will weaken the native splice donor site; however, direct evidence is insufficient at this time (Ambry internal data). Based on the available evidence, the clinical significance of this variant remains unclear.

Labcorp Genetics (formerly Invitae), Labcorp
Classification: Uncertain significance. Last evaluated: 2024-06-19. Review status: criteria provided, single submitter. Criteria: Invitae Variant Classification Sherloc (09022015). Collection method: clinical testing. Allele origin: germline.
Comment: This sequence change affects codon 555 of the MBD4 mRNA. It is a 'silent' change, meaning that it does not change the encoded amino acid sequence of the MBD4 protein. This variant also falls at the last nucleotide of exon 7, which is part of the consensus splice site for this exon. This variant is present in population databases (rs750288002, gnomAD 0.02%). This variant has not been reported in the literature in individuals affected with MBD4-related conditions. Variants that disrupt the consensus splice site are a relatively common cause of aberrant splicing (PMID: 17576681, 9536098). Algorithms developed to predict the effect of sequence changes on RNA splicing suggest that this variant may disrupt the consensus splice site. In summary, the available evidence is currently insufficient to determine the role of this variant in disease. Therefore, it has been classified as a Variant of Uncertain Significance.

Literature cited by the submitters: PubMed 17576681 (cited by Labcorp Genetics (formerly Invitae), Labcorp); PubMed 9536098 (cited by Labcorp Genetics (formerly Invitae), Labcorp).